The following is an entry in ClinVar:

ClinVar aggregate classification (germline): Uncertain significance (1 of 4 stars; one submission).

Conditions:
Autosomal dominant nocturnal frontal lobe epilepsy 5. Also called: Epilepsy, nocturnal frontal lobe, 5; CILIARY DYSKINESIA, PRIMARY, 28, WITHOUT SITUS INVERSUS; CILIARY DYSKINESIA, PRIMARY, 28, WITH SITUS INVERSUS; KCNT1-Related Epilepsy. Identifiers: Orphanet 98784, MedGen C3554306, MONDO:0014002, OMIM 615005.
Developmental and epileptic encephalopathy, 14 (DEE14). Also called: Early infantile epileptic encephalopathy 14. Identifiers: Orphanet 293181, MedGen C3554195, MONDO:0013989, OMIM 614959.

Allele frequency attached by ClinVar (database versions not stated): gnomAD 0.00001.

Submission:

Labcorp Genetics (formerly Invitae), Labcorp
Classification: Uncertain significance for Autosomal dominant nocturnal frontal lobe epilepsy 5; Developmental and epileptic encephalopathy, 14. Last evaluated: 2023-05-10. Review status: criteria provided, single submitter. Criteria: Invitae Variant Classification Sherloc (09022015). Collection method: clinical testing. Allele origin: germline.
Comment: This sequence change replaces aspartic acid, which is acidic and polar, with glycine, which is neutral and non-polar, at codon 83 of the KCNT1 protein (p.Asp83Gly). This variant is not present in population databases (gnomAD no frequency). This variant has not been reported in the literature in individuals affected with KCNT1-related conditions. ClinVar contains an entry for this variant (Variation ID: 1982078). Advanced modeling of protein sequence and biophysical properties (such as structural, functional, and spatial information, amino acid conservation, physicochemical variation, residue mobility, and thermodynamic stability) performed at Invitae indicates that this missense variant is not expected to disrupt KCNT1 protein function. In summary, the available evidence is currently insufficient to determine the role of this variant in disease. Therefore, it has been classified as a Variant of Uncertain Significance.

NM_020822.3(KCNT1):c.248A>G (p.Asp83Gly)

Gene: KCNT1 (potassium sodium-activated channel subfamily T member 1; plus strand). Cytogenetic location: 9q34.3.
Variant type: single nucleotide variant.
Coding change: c.248A>G on transcript NM_020822.3 (MANE Select); coding-DNA position 248, A replaced by G.
Protein change: p.Asp83Gly; replaces aspartic acid 83 with glycine.
Molecular consequence: missense variant. On other transcripts: intron variant (1).
Genome position (GRCh38, 1-based): chr9:135,714,714, A>G. VCF-style: chr9-135714714-A-G. GRCh37 (hg19) VCF-style: chr9-138606560-A-G.
Other names: c.110+12346A>G (NM_001272003.2); short protein forms D83G.
Identifiers: ClinVar variation 1982078 (VCV001982078.4), dbSNP rs1835648877, ClinGen allele CA375493468.